The following is an entry in ClinVar:

NM_001267550.2(TTN):c.96392T>C (p.Ile32131Thr)

Genes: TTN-AS1 (TTN antisense RNA 1; plus strand), TTN (titin; minus strand), LOC126806421 (CDK7 strongly-dependent group 2 enhancer GRCh37_chr2:179407630-179408829; plus strand). Cytogenetic location: 2q31.2.
Variant type: single nucleotide variant.
Coding change: c.96392T>C on transcript NM_001267550.2 (MANE Select); coding-DNA position 96392, T replaced by C.
Protein change: p.Ile32131Thr; replaces isoleucine 32131 with threonine.
Molecular consequence: missense variant.
Genome position (GRCh38, 1-based): chr2:178,543,581, A>G on the plus strand (T>C on the coding strand, the complement: TTN is on the minus strand). VCF-style: chr2-178543581-A-G. GRCh37 (hg19) VCF-style: chr2-179408308-A-G.
Other names: c.96392T>C (NM_001267550.1); c.91469T>C, p.Ile30490Thr (NM_001256850.1); c.69197T>C, p.Ile23066Thr (NM_003319.4); c.88688T>C, p.Ile29563Thr (NM_133378.4); c.69572T>C, p.Ile23191Thr (NM_133432.3); c.69773T>C, p.Ile23258Thr (NM_133437.4); short protein forms I32131T, I23191T, I30490T, I23258T, I29563T, I23066T.
Identifiers: ClinVar variation 467686 (VCV000467686.6), dbSNP rs978818932, ClinGen allele CA60970076.

ClinVar aggregate classification (germline): Uncertain significance. Review status: criteria provided, multiple submitters, no conflicts (2 of 4 stars). 3 submissions from 3 submitters: Uncertain significance (3). Last evaluated 2025-07-09.

Conditions:
Autosomal recessive limb-girdle muscular dystrophy type 2J (LGMDR10). Also called: Limb-girdle muscular dystrophy, type 2J; MUSCULAR DYSTROPHY, LIMB-GIRDLE, AUTOSOMAL RECESSIVE 10. Identifiers: Orphanet 140922, MedGen C1837342, MONDO:0012127, OMIM 608807.
Dilated cardiomyopathy 1G (CMD1G). Identifiers: Orphanet 154, MedGen C1858763, MONDO:0011400, OMIM 604145.
Cardiovascular phenotype. Identifiers: MedGen CN230736.

Allele frequency attached by ClinVar (database versions not stated): gnomAD exomes below 0.00001.
gnomAD v4.1: 4 of 1,608,444 alleles (0.00025%); highest among the groups gnomAD compares: African/African-American, 0.0013%; no homozygotes.

Submissions (3):

GeneDx
Classification: Uncertain significance. Last evaluated: 2025-07-09. Review status: criteria provided, single submitter. Criteria: GeneDx Variant Classification Process June 2021. Collection method: clinical testing. Allele origin: germline. Affected: yes.
Comment: Not observed at significant frequency in large population cohorts (gnomAD); Missense variant in a gene in which most reported pathogenic variants are truncating/loss of function; Has not been previously published as pathogenic or benign to our knowledge

Ambry Genetics
Classification: Uncertain significance for Cardiovascular phenotype. Last evaluated: 2020-08-19. Review status: criteria provided, single submitter. Criteria: Ambry Variant Classification Scheme 2023. Collection method: clinical testing. Allele origin: germline.
Comment: The p.I23066T variant (also known as c.69197T>C), located in coding exon 174 of the TTN gene, results from a T to C substitution at nucleotide position 69197. The isoleucine at codon 23066 is replaced by threonine, an amino acid with similar properties. This amino acid position is well conserved in available vertebrate species. In addition, this alteration is predicted to be tolerated by in silico analysis. Since supporting evidence is limited at this time, the clinical significance of this alteration remains unclear.

Labcorp Genetics (formerly Invitae), Labcorp
Classification: Uncertain significance for Dilated cardiomyopathy 1G; Autosomal recessive limb-girdle muscular dystrophy type 2J. Last evaluated: 2017-01-19. Review status: criteria provided, single submitter. Criteria: Invitae Variant Classification Sherloc (09022015). Collection method: clinical testing. Allele origin: germline.